The following is an entry in ClinVar:

NM_001008388.5(CISD2):c.182C>T (p.Pro61Leu)

Genes: CISD2 (CDGSH iron sulfur domain 2; plus strand), SLC9B1 (solute carrier family 9 member B1; minus strand). Cytogenetic location: 4q24.
Variant type: single nucleotide variant.
Coding change: c.182C>T on transcript NM_001008388.5 (MANE Select); coding-DNA position 182, C replaced by T.
Protein change: p.Pro61Leu; replaces proline 61 with leucine.
Molecular consequence: missense variant. On other transcripts: non-coding transcript variant (1).
Genome position (GRCh38, 1-based): chr4:102,885,294, C>T. VCF-style: chr4-102885294-C-T. GRCh37 (hg19) VCF-style: chr4-103806451-C-T.
Other names: c.1367G>A, p.Arg456Gln (NM_001100874.3); short protein forms P61L, R456Q.
Identifiers: ClinVar variation 1421620 (VCV001421620.9), dbSNP rs142253163, ClinGen allele CA3027704.

ClinVar aggregate classification (germline): Uncertain significance. Review status: criteria provided, multiple submitters, no conflicts (2 of 4 stars). 2 submissions from 2 submitters: Uncertain significance (2). Last evaluated 2024-03-13.

Conditions:
Wolfram syndrome 2 (WFS2). Identifiers: Orphanet 3463, MedGen C1858028, MONDO:0011502, OMIM 604928.

Allele frequency attached by ClinVar (database versions not stated): gnomAD 0.00001; ESP Exome Variant Server 0.00008; TOPMed 0.00005.
gnomAD v4.1: 37 of 1,613,798 alleles (0.0023%); highest among the groups gnomAD compares: Non-Finnish European, 0.0029%; no homozygotes.

Submissions (3):

Fulgent Genetics
Classification: Uncertain significance for Wolfram syndrome 2. Last evaluated: 2024-03-13. Review status: criteria provided, single submitter. Criteria: ACMG Guidelines, 2015. Collection method: clinical testing. Allele origin: germline.

Labcorp Genetics (formerly Invitae), Labcorp
Classification: Uncertain significance. Last evaluated: 2023-05-23. Review status: criteria provided, single submitter. Criteria: Invitae Variant Classification Sherloc (09022015). Collection method: clinical testing. Allele origin: germline.
Comment: In summary, the available evidence is currently insufficient to determine the role of this variant in disease. Therefore, it has been classified as a Variant of Uncertain Significance. This sequence change replaces proline, which is neutral and non-polar, with leucine, which is neutral and non-polar, at codon 61 of the CISD2 protein (p.Pro61Leu). This variant is present in population databases (rs142253163, gnomAD 0.004%). This variant has not been reported in the literature in individuals affected with CISD2-related conditions. ClinVar contains an entry for this variant (Variation ID: 1421620). Algorithms developed to predict the effect of missense changes on protein structure and function output the following: SIFT: "Not Available"; PolyPhen-2: "Benign"; Align-GVGD: "Not Available". The leucine amino acid residue is found in multiple mammalian species, which suggests that this missense change does not adversely affect protein function.

Dr. Peter K. Rogan Lab, Western University
No classification provided (evidence only). Condition: Cervical cancer. Review status: no classification provided. Collection method: in vitro. Allele origin: not applicable. Functional consequence: retained intron. Not counted in ClinVar's aggregate classification.